The following is an entry in ClinVar:

NM_181332.3(NLGN4X):c.2294G>A (p.Arg765His)

Gene: NLGN4X (neuroligin 4 X-linked; minus strand). Cytogenetic location: Xp22.32.
Variant type: single nucleotide variant.
Coding change: c.2294G>A on transcript NM_181332.3 (MANE Select); coding-DNA position 2294, G replaced by A.
Protein change: p.Arg765His; replaces arginine 765 with histidine.
Molecular consequence: missense variant.
Genome position (GRCh38, 1-based): chrX:5,892,974, C>T on the plus strand (G>A on the coding strand, the complement: NLGN4X is on the minus strand). VCF-style: chrX-5892974-C-T. GRCh37 (hg19) VCF-style: chrX-5811015-C-T.
Other names: c.2294G>A, p.Arg765His (NM_001282145.2, NM_001282146.2, NM_020742.4); c.2294G>A (NM_020742.2); short protein forms R765H.
Identifiers: ClinVar variation 1184260 (VCV001184260.4), dbSNP rs1323836608, ClinGen allele CA412012564.

ClinVar aggregate classification (germline): Uncertain significance. Review status: criteria provided, single submitter (1 of 4 stars). 2 submissions from 2 submitters: Uncertain significance (1). 1 of the submissions does not count toward it. Last evaluated 2023-05-15.

Conditions:
Autism, susceptibility to, X-linked 2 (AUTSX2). Also called: Autism susceptibility, X-linked 2. Identifiers: MedGen C1845539, MONDO:0010341, OMIM 300495.

Allele frequency attached by ClinVar (database versions not stated): TOPMed below 0.00001; gnomAD 0.00001; gnomAD exomes 0.00001.
gnomAD v4.1: 17 of 1,209,347 alleles (0.0014%); highest among the groups gnomAD compares: South Asian, 0.0018%; no homozygotes.

Submissions (2):

GeneDx
Classification: Uncertain significance. Last evaluated: 2023-05-15. Review status: criteria provided, single submitter. Criteria: GeneDx Variant Classification Process June 2021. Collection method: clinical testing. Allele origin: germline. Affected: yes.
Comment: Not observed at significant frequency in large population cohorts (gnomAD); In silico analysis supports that this missense variant has a deleterious effect on protein structure/function; Has not been previously published as pathogenic or benign to our knowledge

Institute of Human Genetics, University of Goettingen
Classification: Uncertain significance for Autism, susceptibility to, X-linked 2. Last evaluated: 2021-07-23. Review status: no assertion criteria provided. Collection method: clinical testing. Allele origin: unknown. Inheritance: Sporadic. Affected: yes. Not counted in ClinVar's aggregate classification.